The following is an entry in ClinVar:

ClinVar aggregate classification (germline): Uncertain significance (1 of 4 stars; one submission).

Conditions:
Supravalvar aortic stenosis (SVAS). Also called: Supravalvar aortic stenosis, Eisenberg type. Identifiers: Orphanet 3193, MedGen C0003499, MONDO:0008504, OMIM 185500, HP:0004381.

gnomAD v4.1: 1 of 1,506,486 alleles (0.000066%); highest among the groups gnomAD compares: Admixed American, 0.0022%; no homozygotes.

Submission:

Labcorp Genetics (formerly Invitae), Labcorp
Classification: Uncertain significance for Supravalvar aortic stenosis. Last evaluated: 2025-03-03. Review status: criteria provided, single submitter. Criteria: Invitae Variant Classification Sherloc (09022015). Collection method: clinical testing. Allele origin: germline.
Comment: This sequence change replaces glycine, which is neutral and non-polar, with arginine, which is basic and polar, at codon 458 of the ELN protein (p.Gly458Arg). This variant is present in population databases (no rsID available, gnomAD 0.005%). This variant has not been reported in the literature in individuals affected with ELN-related conditions. ClinVar contains an entry for this variant (Variation ID: 1899274). Invitae Evidence Modeling of protein sequence and biophysical properties (such as structural, functional, and spatial information, amino acid conservation, physicochemical variation, residue mobility, and thermodynamic stability) indicates that this missense variant is not expected to disrupt ELN protein function with a negative predictive value of 80%. In summary, the available evidence is currently insufficient to determine the role of this variant in disease. Therefore, it has been classified as a Variant of Uncertain Significance.

NM_000501.4(ELN):c.1358-244G>A

Gene: ELN (elastin; plus strand). Cytogenetic location: 7q11.23.
Variant type: single nucleotide variant.
Coding change: c.1358-244G>A on transcript NM_000501.4 (MANE Select); 244 bases into the intron before coding-DNA position 1358, G replaced by A.
Molecular consequence: intron variant. On other transcripts: missense variant (1).
Genome position (GRCh38, 1-based): chr7:74,057,396, G>A. VCF-style: chr7-74057396-G-A. GRCh37 (hg19) VCF-style: chr7-73471726-G-A.
Other names: c.1372G>A, p.Gly458Arg (NM_001278939.2); c.1373-244G>A (NM_001081754.3); c.1372+683G>A (NM_001081753.3); c.1358-244G>A (NM_001278915.2, NM_001278912.2); c.1357+683G>A (NM_001081755.3); c.1315+683G>A (NM_001278916.2); c.1171+683G>A (NM_001278913.2); c.1342+683G>A (NM_001278914.2); and 3 more; short protein forms G458R.
Identifiers: ClinVar variation 1899274 (VCV001899274.5), dbSNP rs782555567, ClinGen allele CA367882293.